The following is an entry in ClinVar:

ClinVar aggregate classification (germline): Likely benign. Review status: criteria provided, multiple submitters, no conflicts (2 of 4 stars). 2 submissions from 2 submitters: Likely benign (2). Last evaluated 2026-06-01.

Allele frequency attached by ClinVar (database versions not stated): ExAC 0.00001; gnomAD exomes 0.00001; gnomAD 0.00002; TOPMed 0.00002.
gnomAD v4.1: 17 of 1,547,114 alleles (0.0011%); highest among the groups gnomAD compares: Admixed American, 0.021%; no homozygotes.

Submissions (2):

CeGaT Center for Human Genetics Tuebingen
Classification: Likely benign. Last evaluated: 2026-06-01. Review status: criteria provided, single submitter. Criteria: CeGaT Center For Human Genetics Tuebingen Variant Classification Criteria Version 2. Collection method: clinical testing. Allele origin: germline. Affected: yes. Observed: 1 variant allele.
Comment: NAA15: BP4, BP7

Labcorp Genetics (formerly Invitae), Labcorp
Classification: Likely benign. Last evaluated: 2025-12-09. Review status: criteria provided, single submitter. Criteria: Invitae Variant Classification Sherloc (09022015). Collection method: clinical testing. Allele origin: germline.

NM_057175.5(NAA15):c.252C>T (p.His84=)

Gene: NAA15 (N-alpha-acetyltransferase 15, NatA auxiliary subunit; plus strand). Cytogenetic location: 4q31.1.
Variant type: single nucleotide variant.
Coding change: c.252C>T on transcript NM_057175.5 (MANE Select); coding-DNA position 252, C replaced by T.
Protein change: p.His84=; no amino-acid change (histidine 84 retained).
Molecular consequence: synonymous variant.
Genome position (GRCh38, 1-based): chr4:139,340,919, C>T. VCF-style: chr4-139340919-C-T. GRCh37 (hg19) VCF-style: chr4-140262073-C-T.
Other names: c.252C>T, p.His84= (NM_001410842.1, NM_025085.2).
Identifiers: ClinVar variation 1985397 (VCV001985397.6), dbSNP rs768586140, ClinGen allele CA3083357.
Genomic context (GRCh38, chr4:139,340,919, plus strand): 5'-TTTGGAATAGTAATTTTTGACTTGTAGGTTGTACCCTTAACTAAATTCTTTAGGTTGGCA[C>T]GTTTATGGCCTTCTTCAGAGGTCAGACAAGAAGTATGATGAAGCCATTAAGTGTTACAGA-3'
Protein context (NP_476516.1, residues 74-94): RNDLKSHVCW[His84=]VYGLLQRSDK